The following is an entry in ClinVar:

NM_004006.3(DMD):c.3433-20GTTT[2]

Gene: DMD (dystrophin; minus strand). Cytogenetic location: Xp21.1.
Variant type: Microsatellite.
Coding change: c.3433-20GTTT[2] on transcript NM_004006.3 (MANE Select); two copies in a row of the 4-base unit GTTT starting at c.3433-20; the reference has three copies in a row; one copy, 4 bases deleted.
Molecular consequence: intron variant.
Genome position (GRCh38, 1-based): chrX:32,454,841-32,454,844, AAAC deleted on the plus strand (GTTT on the coding strand, the reverse complement: DMD is on the minus strand); deleting any 4 consecutive bases within chrX:32,454,841-32,454,855 gives the same sequence; the position shown is the placement nearest the transcript's 3' end. VCF-style (leftmost placement, unchanged base first): chrX-32454840-AAAAC-A. GRCh37 (hg19) VCF-style: chrX-32472957-AAAAC-A.
Other names: c.3409-20GTTT[2] (NM_000109.4); c.3421-20GTTT[2] (NM_004009.3); c.3064-20GTTT[2] (NM_004010.3); c.3433-12_3433-9delGTTT (NM_004006.3, NM_004006.2).
Identifiers: ClinVar variation 421901 (VCV000421901.16), dbSNP rs771258264, ClinGen allele CA10379268.
Genomic context (GRCh38, chrX:32,454,840, plus strand): 5'-AGGCTTACAGTTTTCTCCAAACCTCCCTTCAAGGCCTCCTTTCTGGCATAGACCTTCCAC[AAAAC>A]AAACAAACAAAACACGATTATTGACAGTGATGAAACATTATTATTATATTATTTCATCAG-3'

ClinVar aggregate classification (germline): Likely benign. Review status: criteria provided, multiple submitters, no conflicts (2 of 4 stars). 5 submissions from 5 submitters: Likely benign (4). 1 of the submissions does not count toward it. Last evaluated 2026-01-11.

Conditions:
Duchenne muscular dystrophy (DMD). Also called: MUSCULAR DYSTROPHY, PSEUDOHYPERTROPHIC PROGRESSIVE, DUCHENNE TYPE; Duchenne Muscular Dystrophy (DMD). Identifiers: Orphanet 98896, MedGen C0013264, MONDO:0010679, OMIM 310200.
DMD-related disorder. Also called: DMD-related condition.

Submissions (5):

Labcorp Genetics (formerly Invitae), Labcorp
Classification: Likely benign for Duchenne muscular dystrophy. Last evaluated: 2026-01-11. Review status: criteria provided, single submitter. Criteria: Invitae Variant Classification Sherloc (09022015). Collection method: clinical testing. Allele origin: germline.

Women's Health and Genetics/Laboratory Corporation of America, LabCorp
Classification: Likely benign. Last evaluated: 2024-12-19. Review status: criteria provided, single submitter. Criteria: LabCorp Variant Classification Summary - May 2015. Collection method: clinical testing. Allele origin: germline.
Comment: Variant summary: DMD c.3433-12_3433-9delGTTT alters a conserved nucleotide located at a position not widely known to affect splicing. Consensus agreement among computation tools predict no significant impact on normal splicing. However, these predictions have yet to be confirmed by functional studies. The variant allele was found at a frequency of 2.8e-05 in 180692 control chromosomes. The available data on variant occurrences in the general population are insufficient to allow any conclusion about variant significance. To our knowledge, no occurrence of c.3433-12_3433-9delGTTT in individuals affected with Dystrophinopathies and no experimental evidence demonstrating its impact on protein function have been reported. ClinVar contains an entry for this variant (Variation ID: 421901). Based on the evidence outlined above, the variant was classified as likely benign.

Blueprint Genetics
Classification: Likely benign. Last evaluated: 2023-09-21. Review status: criteria provided, single submitter. Criteria: ACMG Guidelines, 2015. Collection method: clinical testing. Allele origin: germline.

GeneDx
Classification: Likely benign. Last evaluated: 2016-08-10. Review status: criteria provided, single submitter. Criteria: GeneDx Variant Classification (06012015). Collection method: clinical testing. Allele origin: germline. Affected: yes.
Comment: This variant is considered likely benign or benign based on one or more of the following criteria: it is a conservative change, it occurs at a poorly conserved position in the protein, it is predicted to be benign by multiple in silico algorithms, and/or has population frequency not consistent with disease.

PreventionGenetics, part of Exact Sciences
Classification: Likely benign for DMD-related condition. Last evaluated: 2022-04-25. Review status: no assertion criteria provided. Collection method: clinical testing. Allele origin: germline. Not counted in ClinVar's aggregate classification.
Comment: This variant is classified as likely benign based on ACMG/AMP sequence variant interpretation guidelines (Richards et al. 2015 PMID: 25741868, with internal and published modifications).